The following is an entry in ClinVar:

ClinVar aggregate classification (germline): Pathogenic/Likely pathogenic. Review status: criteria provided, multiple submitters, no conflicts (2 of 4 stars). 2 submissions from 2 submitters: Pathogenic (1); Likely pathogenic (1). Last evaluated 2023-03-18.

Conditions:
Pituitary adenoma 5, multiple types. Identifiers: MedGen C4539685, MONDO:0054601, OMIM 617540.

Submissions (2):

Baylor Genetics
Classification: Likely pathogenic for Pituitary adenoma 5, multiple types. Last evaluated: 2023-03-18. Review status: criteria provided, single submitter. Criteria: ACMG Guidelines, 2015. Collection method: clinical testing. Allele origin: unknown.

Labcorp Genetics (formerly Invitae), Labcorp
Classification: Pathogenic. Last evaluated: 2022-02-06. Review status: criteria provided, single submitter. Criteria: Invitae Variant Classification Sherloc (09022015). Collection method: clinical testing. Allele origin: germline.
Comment: For these reasons, this variant has been classified as Pathogenic. Studies have shown that disruption of this splice site alters mRNA splicing and is expected to lead to the loss of protein expression (PMID: 23451239). Disruption of this splice site has been observed in individuals with Usher syndrome (PMID: 12075507, 31589614, 32467589). This variant is not present in population databases (gnomAD no frequency). This sequence change affects a donor splice site in intron 21 of the CDH23 gene. It is expected to disrupt RNA splicing. Variants that disrupt the donor or acceptor splice site typically lead to a loss of protein function (PMID: 16199547), and loss-of-function variants in CDH23 are known to be pathogenic (PMID: 11138009, 21940737).

Literature cited by the submitters: PubMed 23451239 (cited by Labcorp Genetics (formerly Invitae), Labcorp); PubMed 12075507 (cited by Labcorp Genetics (formerly Invitae), Labcorp); PubMed 31589614 (cited by Labcorp Genetics (formerly Invitae), Labcorp); PubMed 32467589 (cited by Labcorp Genetics (formerly Invitae), Labcorp); PubMed 16199547 (cited by Labcorp Genetics (formerly Invitae), Labcorp); PubMed 11138009 (cited by Labcorp Genetics (formerly Invitae), Labcorp); PubMed 21940737 (cited by Labcorp Genetics (formerly Invitae), Labcorp).

NM_022124.6(CDH23):c.2289+1G>C

Gene: CDH23 (cadherin related 23; plus strand). Cytogenetic location: 10q22.1.
Variant type: single nucleotide variant.
Coding change: c.2289+1G>C on transcript NM_022124.6 (MANE Select); the canonical splice donor site of the intron after coding-DNA position 2289, G replaced by C.
Molecular consequence: splice donor variant.
Genome position (GRCh38, 1-based): chr10:71,694,260, G>C. VCF-style: chr10-71694260-G-C. GRCh37 (hg19) VCF-style: chr10-73454017-G-C.
Other names: c.2289+1G>C (NM_001171930.2, NM_001171931.2).
Identifiers: ClinVar variation 2093985 (VCV002093985.5), dbSNP rs769433759, ClinGen allele CA377135149.